The following is an entry in ClinVar:

NM_000053.4(ATP7B):c.2519C>T (p.Pro840Leu)

Gene: ATP7B (ATPase copper transporting beta; minus strand). Cytogenetic location: 13q14.3.
Variant type: single nucleotide variant.
Coding change: c.2519C>T on transcript NM_000053.4 (MANE Select); coding-DNA position 2519, C replaced by T.
Protein change: p.Pro840Leu; replaces proline 840 with leucine.
Molecular consequence: missense variant.
Genome position (GRCh38, 1-based): chr13:51,950,328, G>A on the plus strand (C>T on the coding strand, the complement: ATP7B is on the minus strand). VCF-style: chr13-51950328-G-A. GRCh37 (hg19) VCF-style: chr13-52524464-G-A.
Other names: c.2033C>T, p.Pro678Leu (NM_001005918.3); c.2186C>T, p.Pro729Leu (NM_001243182.2); c.2285C>T, p.Pro762Leu (NM_001330578.2); c.2267C>T, p.Pro756Leu (NM_001330579.2); short protein forms P840L, P762L, P729L, P756L, P678L.
Identifiers: ClinVar variation 188879 (VCV000188879.48), dbSNP rs768671894, ClinGen allele CA274072.
Genomic context (GRCh38, chr13:51,950,328, plus strand): 5'-TCACCTGTGATGAGGGACTCATCAGCCATGGTATTGCCTTCCAGGACTTTCCCATCCACT[G>A]GAAACTTTCCCCCAGGGACCACCTTGACGATATCGCCCCGCTGCACCAGCTCCATGGGGA-3'
Protein context (NP_000044.2, residues 830-850): IVKVVPGGKF[Pro840Leu]VDGKVLEGNT

ClinVar aggregate classification (germline): Pathogenic. Review status: criteria provided, multiple submitters, no conflicts (2 of 4 stars). 13 submissions from 13 submitters: Pathogenic (12). 1 of the submissions does not count toward it. Last evaluated 2026-01-16.

Conditions:
ATP7B-related disorder. Also called: ATP7B-related condition.
Wilson disease (WND). Also called: Wilson's disease. Identifiers: Orphanet 905, MedGen C0019202, MONDO:0010200, OMIM 277900. Disease mechanism: loss of function.

Allele frequency attached by ClinVar (database versions not stated): TOPMed below 0.00001; ExAC 0.00001; gnomAD 0.00001; gnomAD exomes 0.00001.
gnomAD v4.1: 11 of 1,613,960 alleles (0.00068%); highest among the groups gnomAD compares: Non-Finnish European, 0.00093%; no homozygotes.

Submissions (13):

Natera, Inc.
Classification: Pathogenic for Wilson disease. Last evaluated: 2026-01-16. Review status: criteria provided, single submitter. Criteria: Natera Variant Classification Schema (03/2026). Collection method: clinical testing. Allele origin: germline.
Comment: The c.2519C>T variant in ATP7B is a missense variant predicted to cause substitution of proline to leucine at amino acid 840. This variant is rare in the general population with a frequency below the threshold expected for the associated phenotype(s). This variant has been observed in one or more individuals affected with the associated recessive disease, as either homozygous or compound heterozygous with a second variant (PMID: 23843956, 22720273, 20967755, 17272994, 10544227). Computational prediction algorithms indicate this variant is likely to affect gene or protein function. Given the available evidence, this variant is classified as Pathogenic.

Labcorp Genetics (formerly Invitae), Labcorp
Classification: Pathogenic for Wilson disease. Last evaluated: 2025-02-12. Review status: criteria provided, single submitter. Criteria: Invitae Variant Classification Sherloc (09022015). Collection method: clinical testing. Allele origin: germline.
Comment: This sequence change replaces proline, which is neutral and non-polar, with leucine, which is neutral and non-polar, at codon 840 of the ATP7B protein (p.Pro840Leu). This variant is not present in population databases (gnomAD no frequency). This missense change has been observed in individual(s) with Wilson disease (PMID: 10544227, 17272994, 22720273, 23843956). In at least one individual the data is consistent with being in trans (on the opposite chromosome) from a pathogenic variant. ClinVar contains an entry for this variant (Variation ID: 188879). Invitae Evidence Modeling of protein sequence and biophysical properties (such as structural, functional, and spatial information, amino acid conservation, physicochemical variation, residue mobility, and thermodynamic stability) has been performed for this missense variant. However, the output from this modeling did not meet the statistical confidence thresholds required to predict the impact of this variant on ATP7B protein function. Experimental studies have shown that this missense change affects ATP7B function (PMID: 22240481, 22692182). For these reasons, this variant has been classified as Pathogenic.

Mayo Clinic Laboratories, Mayo Clinic
Classification: Pathogenic. Last evaluated: 2025-01-02. Review status: criteria provided, single submitter. Criteria: ACMG Guidelines, 2015. Collection method: clinical testing. Allele origin: germline. Observed: 1 variant allele.
Comment: PP3_strong, PM2_supporting, PM3_strong, PS3, PS4

CeGaT Center for Human Genetics Tuebingen
Classification: Pathogenic. Last evaluated: 2024-11-01. Review status: criteria provided, single submitter. Criteria: CeGaT Center For Human Genetics Tuebingen Variant Classification Criteria Version 2. Collection method: clinical testing. Allele origin: germline. Affected: yes. Observed: 1 variant allele.
Comment: ATP7B: PM3:Strong, PM1, PM2, PP3, PP4, PS3:Supporting

All of Us Research Program, National Institutes of Health
Classification: Pathogenic for Wilson disease. Last evaluated: 2024-10-03. Review status: criteria provided, single submitter. Criteria: ACMG Guidelines, 2015. Collection method: clinical testing. Allele origin: germline. Inheritance: Autosomal recessive inheritance. Observed: 3 variant alleles, 3 heterozygotes.
Comment: This missense variant replaces proline with leucine at codon 840 of the ATP7B protein. Computational prediction suggests that this variant may have deleterious impact on protein structure and function (internally defined REVEL score threshold >= 0.7, PMID: 27666373). A functional study has shown that the variant results in a significant decrease in copper transport activity and increased catalytic phosphorylation activity (PMID: 22240481). This variant has been observed in many individuals affected with autosomal recessive Wilson disease (PMID: 9671269, 10544227, 17272994, 20958917, 20967755, 22308153, 22720273, 23843956, 24661374, 30232804, 34257423), including in the homozygous state with no evidence of consanguinity (PMID: 30232804) and in the compound heterozygous state with a second pathogenic ATP7B variant (PMID: 10544227, 17272994, 20967755, 22720273, 23843956, 24661374, 30232804). This variant has not been identified in the general population by the Genome Aggregation Database (gnomAD). Based on the available evidence, this variant is classified as Pathogenic.

This study involves interpretation of variants in research participants for the purpose of population health screening. Participant phenotype was not available at the time of variant classification. Additional details can be found in publication PMID: 35346344, PMCID: PMC8962531

Fulgent Genetics
Classification: Pathogenic for Wilson disease. Last evaluated: 2024-04-06. Review status: criteria provided, single submitter. Criteria: ACMG Guidelines, 2015. Collection method: clinical testing. Allele origin: germline.

Baylor Genetics
Classification: Pathogenic for Wilson disease. Last evaluated: 2024-03-19. Review status: criteria provided, single submitter. Criteria: ACMG Guidelines, 2015. Collection method: clinical testing. Allele origin: unknown.

Genome-Nilou Lab
Classification: Pathogenic for Wilson disease. Last evaluated: 2021-08-10. Review status: criteria provided, single submitter. Criteria: ACMG Guidelines, 2015. Collection method: clinical testing. Allele origin: germline. Affected: no.

Blueprint Genetics
Classification: Pathogenic for ATP7B-related disorders. Last evaluated: 2021-06-26. Review status: criteria provided, single submitter. Criteria: ACMG Guidelines, 2015. Collection method: clinical testing. Allele origin: germline. Affected: yes. Observed: 1 variant allele.

ARUP Laboratories, Molecular Genetics and Genomics, ARUP Laboratories
Classification: Pathogenic for Wilson disease. Last evaluated: 2019-10-22. Review status: criteria provided, single submitter. Criteria: ARUP Molecular Germline Variant Investigation Process. Collection method: clinical testing. Allele origin: germline.
Comment: The ATP7B c.2519C>T; p.Pro840Leu variant (rs768671894) is reported in the literature in individuals affected with Wilson disease, including multiple individuals that carried a second pathogenic variant (Amson 2012, Gu 2013, Loudianos 1998, Nicastro 2010). This variant is absent from general population databases (Exome Variant Server, Genome Aggregation Database), indicating it is not a common polymorphism. The proline at codon 840 is highly conserved, and functional studies indicate that this variant has substantially decreased copper transport activity (Huster 2012). Based on available information, this variant is considered to be pathogenic. References: Amson M et al. Alagille syndrome and Wilson disease in siblings: a diagnostic conundrum. Can J Gastroenterol. 2012 Jun;26(6):330-2. Gu S et al. Novel ATPase Cu(2+) transporting beta polypeptide mutations in Chinese families with Wilson's disease. PLoS One. 2013 Jul 2;8(7):e66526. Huster D et al. Diverse functional properties of Wilson disease ATP7B variants. Gastroenterology. 2012 Apr;142(4):947-956.e5. Loudianos G et al. Further delineation of the molecular pathology of Wilson disease in the Mediterranean population. Hum Mutat. 1998;12(2):89-94. Nicastro E et al. Re-evaluation of the diagnostic criteria for Wilson disease in children with mild liver disease. Hepatology. 2010 Dec;52(6):1948-56.

Women's Health and Genetics/Laboratory Corporation of America, LabCorp
Classification: Pathogenic for Wilson disease. Last evaluated: 2016-09-22. Review status: criteria provided, single submitter. Criteria: LabCorp Variant Classification Summary - May 2015. Collection method: clinical testing. Allele origin: germline.
Comment: Variant summary: The variant of interest affects a conserved nucleotide and results in replacing a small and kink-inducing Proline residue with a bulky and hydrophobic Leucine. 5/5 in silico prediction tools predict deleterious outcome by this substitution. The variant was found in the broad and large cohort of ExAC at an allele frequency of 1/120734 (0.0008%), which does not exceed the maximal expected allele frequency of a disease causing ATP7B allele (0.54%), further supporting a pathogenic nature for the variant. In addition, there are several Wilsons Disease patients reported to have the variant in compound heterozygote module (Amson_2012, Gu_2013, Nicastro_2010). Independent functional studies have shown that the variant results in the impairment of cellular copper transfer (Huster_2012 , Schushan_2012), which is consistent with a disease causing outcome. Considering all evidence, the variant was classified as pathogenic.

GeneDx
Classification: Pathogenic. Last evaluated: 2016-03-15. Review status: criteria provided, single submitter. Criteria: GeneDx Variant Classification (06012015). Collection method: clinical testing. Allele origin: germline. Affected: yes.
Comment: The P840L pathogenic variant in the ATP7B gene has been reported previously in several individuals with Wilson disease (Loudiano et al., 1998; Huster et al., 2012; Gu et al., 2013). This variant was not observed in approximately 6300 individuals of European and African American ancestry in the NHLBI Exome Sequencing Project, indicating it is not a common benign variant in these populations. The P840L variant is a semi-conservative amino acid substitution, which occurs at a position that is conserved across species. In-silico analysis predicts this variant is probably damaging to the protein structure/function, and functional studies demonstrate that the P840L variant results in impaired copper uptake (Huster et al., 2012). Missense variants in nearby residues (G836E, D842N, D842Y, G843R) have been reported in the Human Gene Mutation Database in association with Wilson disease (Stenson et al., 2014), supporting the functional importance of this region of the protein. We interpret P840L as a pathogenic variant.

Counsyl
Classification: Pathogenic for Wilson disease. Last evaluated: 2019-06-27. Review status: no assertion criteria provided. Collection method: clinical testing. Allele origin: unknown. Not counted in ClinVar's aggregate classification.

Literature cited by the submitters: PubMed 23843956 (cited by 6 submitters); PubMed 22720273 (cited by 6 submitters); PubMed 20967755 (cited by 5 submitters); PubMed 17272994 (cited by 5 submitters); PubMed 10544227 (cited by 5 submitters); PubMed 22240481 (cited by 5 submitters); PubMed 22692182 (cited by 3 submitters); PubMed 20958917 (cited by 3 submitters); PubMed 22308153 (cited by 3 submitters); PubMed 24661374 (cited by Mayo Clinic Laboratories, Mayo Clinic and All of Us Research Program, National Institutes of Health); PubMed 9671269 (cited by 4 submitters); PubMed 30232804 (cited by All of Us Research Program, National Institutes of Health and Counsyl); PubMed 34257423 (cited by All of Us Research Program, National Institutes of Health); PubMed 24253677 (cited by Women's Health and Genetics/Laboratory Corporation of America, LabCorp and Counsyl); PubMed 22484412 (cited by Women's Health and Genetics/Laboratory Corporation of America, LabCorp).